The following is an entry in ClinVar:

NM_001080467.3(MYO5B):c.4046C>T (p.Ala1349Val)

Gene: MYO5B (myosin VB; minus strand). Cytogenetic location: 18q21.1.
Variant type: single nucleotide variant.
Coding change: c.4046C>T on transcript NM_001080467.3 (MANE Select); coding-DNA position 4046, C replaced by T.
Protein change: p.Ala1349Val; replaces alanine 1349 with valine.
Molecular consequence: missense variant.
Genome position (GRCh38, 1-based): chr18:49,853,624, G>A on the plus strand (C>T on the coding strand, the complement: MYO5B is on the minus strand). VCF-style: chr18-49853624-G-A. GRCh37 (hg19) VCF-style: chr18-47379994-G-A.
Other names: short protein forms A1349V.
Identifiers: ClinVar variation 1505176 (VCV001505176.6), dbSNP rs1568610957, ClinGen allele CA402426902.

ClinVar aggregate classification (germline): Uncertain significance (1 of 4 stars; one submission).

Submission:

Labcorp Genetics (formerly Invitae), Labcorp
Classification: Uncertain significance. Last evaluated: 2022-11-01. Review status: criteria provided, single submitter. Criteria: Invitae Variant Classification Sherloc (09022015). Collection method: clinical testing. Allele origin: germline.
Comment: ClinVar contains an entry for this variant (Variation ID: 1505176). In summary, the available evidence is currently insufficient to determine the role of this variant in disease. Therefore, it has been classified as a Variant of Uncertain Significance. Advanced modeling of protein sequence and biophysical properties (such as structural, functional, and spatial information, amino acid conservation, physicochemical variation, residue mobility, and thermodynamic stability) performed at Invitae indicates that this missense variant is not expected to disrupt MYO5B protein function. This variant has not been reported in the literature in individuals affected with MYO5B-related conditions. This variant is not present in population databases (gnomAD no frequency). This sequence change replaces alanine, which is neutral and non-polar, with valine, which is neutral and non-polar, at codon 1349 of the MYO5B protein (p.Ala1349Val).